The following is an entry in ClinVar:

NM_004656.4(BAP1):c.802C>T (p.Pro268Ser)

Gene: BAP1 (BRCA1 associated deubiquitinase 1; minus strand). Cytogenetic location: 3p21.1.
Variant type: single nucleotide variant.
Coding change: c.802C>T on transcript NM_004656.4 (MANE Select); coding-DNA position 802, C replaced by T.
Protein change: p.Pro268Ser; replaces proline 268 with serine.
Molecular consequence: missense variant.
Genome position (GRCh38, 1-based): chr3:52,405,894, G>A on the plus strand (C>T on the coding strand, the complement: BAP1 is on the minus strand). VCF-style: chr3-52405894-G-A. GRCh37 (hg19) VCF-style: chr3-52439910-G-A.
Other names: c.748C>T, p.Pro250Ser (NM_001410772.1); short protein forms P250S, P268S.
Identifiers: ClinVar variation 3899668 (VCV003899668.2).
Genomic context (GRCh38, chr3:52,405,894, plus strand): 5'-CTGACTTGGACTCCTCAGGCAGCTGTGACTCTTGAGACTTGTGGGTCTGAATCAGCTCTG[G>A]CTGTGTTACTCTTATCAGCTAACAACAGAATCCAGGGCTCAGAGGAGAAAGGGTAGACCC-3'
Protein context (NP_004647.1, residues 258-278): ALQQLIRVTQ[Pro268Ser]ELIQTHKSQE

ClinVar aggregate classification (germline): Uncertain significance. Review status: criteria provided, multiple submitters, no conflicts (2 of 4 stars). 2 submissions from 2 submitters: Uncertain significance (2). Last evaluated 2025-08-20.

Conditions:
Hereditary cancer-predisposing syndrome. Also called: Neoplastic Syndromes, Hereditary; Tumor predisposition; Hereditary Cancer Syndrome; Hereditary neoplastic syndrome. Identifiers: Orphanet 140162, MedGen C0027672, MeSH D009386, MONDO:0015356.

Submissions (2):

Ambry Genetics
Classification: Uncertain significance for Hereditary cancer-predisposing syndrome. Last evaluated: 2025-08-20. Review status: criteria provided, single submitter. Criteria: Ambry Variant Classification Scheme 2023. Collection method: clinical testing. Allele origin: germline.
Comment: The p.P268S variant (also known as c.802C>T), located in coding exon 10 of the BAP1 gene, results from a C to T substitution at nucleotide position 802. The proline at codon 268 is replaced by serine, an amino acid with similar properties. This amino acid position is conserved. In addition, the in silico prediction for this alteration is inconclusive. Based on the available evidence, the clinical significance of this variant remains unclear.

GeneDx
Classification: Uncertain significance. Last evaluated: 2024-11-13. Review status: criteria provided, single submitter. Criteria: GeneDx Variant Classification Process June 2021. Collection method: clinical testing. Allele origin: germline. Affected: yes.
Comment: Not observed at significant frequency in large population cohorts (gnomAD); In silico analysis indicates that this missense variant does not alter protein structure/function; Has not been previously published as pathogenic or benign to our knowledge